The following is an entry in ClinVar:

ClinVar aggregate classification (germline): Benign. Review status: criteria provided, multiple submitters, no conflicts (2 of 4 stars). 2 submissions from 2 submitters: Benign (2). Last evaluated 2018-01-13.

Conditions:
Retinal cone dystrophy 4 (RCD4). Identifiers: Orphanet 1872, MedGen C1864849, MONDO:0012507, OMIM 610478.

Allele frequency attached by ClinVar (database versions not stated): 1000 Genomes Project 30x 0.04622; 1000 Genomes Project 0.04633; gnomAD exomes 0.08579; TOPMed 0.08708; gnomAD 0.09356 and 0.09439.
gnomAD v4.1: 14,985 of 160,312 alleles (9.3%); highest among the groups gnomAD compares: Middle Eastern, 17%; 950 homozygotes.

Submissions (2):

Illumina Laboratory Services, Illumina
Classification: Benign for Retinal cone dystrophy 4. Last evaluated: 2018-01-13. Review status: criteria provided, single submitter. Criteria: ICSL Variant Classification Criteria 13 December 2019. Collection method: clinical testing. Allele origin: germline.
Comment: This variant was observed in the ICSL laboratory as part of a predisposition screen in an ostensibly healthy population. It had not been previously curated by ICSL or reported in the Human Gene Mutation Database (HGMD: prior to June 1st, 2018), and was therefore a candidate for classification through an automated scoring system. Utilizing variant allele frequency, disease prevalence and penetrance estimates, and inheritance mode, an automated score was calculated to assess if this variant is too frequent to cause the disease. Based on the score and internal cut-off values, a variant classified as benign is not then subjected to further curation. The score for this variant resulted in a classification of benign for this disease.

Breakthrough Genomics
Classification: Benign. Review status: criteria provided, single submitter. Criteria: ACMG Guidelines, 2015. Collection method: not provided. Allele origin: germline. Inheritance: Autosomal recessive inheritance. Affected: yes.

NM_172364.5(CACNA2D4):c.*467A>G

Gene: CACNA2D4 (calcium voltage-gated channel auxiliary subunit alpha2delta 4; minus strand). Cytogenetic location: 12p13.33.
Variant type: single nucleotide variant.
Coding change: c.*467A>G on transcript NM_172364.5 (MANE Select); 467 bases downstream of the stop codon, A replaced by G.
Molecular consequence: 3 prime UTR variant.
Genome position (GRCh38, 1-based): chr12:1,793,188, T>C on the plus strand (A>G on the coding strand, the complement: CACNA2D4 is on the minus strand). VCF-style: chr12-1793188-T-C. GRCh37 (hg19) VCF-style: chr12-1902354-T-C.
Identifiers: ClinVar variation 307822 (VCV000307822.6), dbSNP rs73041886, ClinGen allele CA10640588.